The following is an entry in ClinVar:

NM_017763.6(RNF43):c.2185C>G (p.Leu729Val)

Gene: RNF43 (ring finger protein 43; minus strand). Cytogenetic location: 17q22.
Variant type: single nucleotide variant.
Coding change: c.2185C>G on transcript NM_017763.6 (MANE Select); coding-DNA position 2185, C replaced by G.
Protein change: p.Leu729Val; replaces leucine 729 with valine.
Molecular consequence: missense variant.
Genome position (GRCh38, 1-based): chr17:58,357,591, G>C on the plus strand (C>G on the coding strand, the complement: RNF43 is on the minus strand). VCF-style: chr17-58357591-G-C. GRCh37 (hg19) VCF-style: chr17-56434952-G-C.
Other names: c.2185C>G, p.Leu729Val (NM_001305544.3, NM_001438820.1, NM_001438821.1 and 1 more transcripts); c.1804C>G, p.Leu602Val (NM_001305545.2, NM_001437987.1); short protein forms L602V, L729V.
Identifiers: ClinVar variation 4863375 (VCV004863375.1).

ClinVar aggregate classification (germline): Uncertain significance (1 of 4 stars; one submission).

Submission:

Ambry Genetics
Classification: Uncertain significance. Last evaluated: 2026-03-16. Review status: criteria provided, single submitter. Criteria: Ambry Variant Classification Scheme 2023. Collection method: clinical testing. Allele origin: germline.
Comment: The p.L729V variant (also known as c.2185C>G), located in coding exon 8 of the RNF43 gene, results from a C to G substitution at nucleotide position 2185. The leucine at codon 729 is replaced by valine, an amino acid with highly similar properties. This amino acid position is conserved. In addition, this alteration is predicted to be tolerated by in silico analysis. Based on the available evidence, the clinical significance of this variant remains unclear.